The following is an entry in ClinVar:

GRCh37/hg19 Xp21.1(chrX:32353233-32474885)x1

Gene: DMD (dystrophin; minus strand). Cytogenetic location: Xp21.1.
Variant type: copy number loss.
Change: copy number 1 of chrX:32,353,233-32,474,885 (121.7 kb, GRCh37 coordinates, 1-based), cytogenetic band Xp21.1.
Identifiers: ClinVar variation 1807698 (VCV001807698.1).

ClinVar aggregate classification (germline): Pathogenic (1 of 4 stars; one submission).

Submission:

Quest Diagnostics Nichols Institute San Juan Capistrano
Classification: Pathogenic. Last evaluated: 2021-06-13. Review status: criteria provided, single submitter. Criteria: ACMG/ClinGen CNV Guidelines, 2019. Collection method: clinical testing. Allele origin: unknown.
Comment: This deletion interval involves multiple exons of the DMD (dystrophin) gene (OMIM 300377). Dystrophinopathies including Becker Muscular Dystrophy (BMD) (OMIM 300376), Duchenne Muscular Dystrophy (DMD) (OMIM 310200), and DMD-Associated Dilated Cardiomyopathy (OMIM 302045) are X-linked recessive disorders caused by entire or intragenic DMD deletions and duplications as well as sequence variations, primarily affecting the isoform expressed in the skeletal muscles. Manifesting carriers may demonstrate variable degrees of symptoms (mild, moderate, or severe muscular dystrophy) depending, in part, on patterns of X-chromosome inactivation. Carrier females might be at risk for dilated cardiomyopathy (DCM) (Darras BT et al., GeneReviews [Internet]. Available from an online resource; Flanigan KM et al., Hum Mutat. 2009 Dec;30(12):1657-66. PMID: 19937601). The phenotype of a DMD/BMD gene alteration is best correlated with the degree of dystrophin protein expression.